The following is an entry in ClinVar:

NM_006836.2(GCN1):c.4893G>A (p.Thr1631=)

Gene: GCN1 (GCN1 activator of EIF2AK4; minus strand). Cytogenetic location: 12q24.23.
Variant type: single nucleotide variant.
Coding change: c.4893G>A on transcript NM_006836.2 (MANE Select); coding-DNA position 4893, G replaced by A.
Protein change: p.Thr1631=; no amino-acid change (threonine 1631 retained).
Molecular consequence: synonymous variant.
Genome position (GRCh38, 1-based): chr12:120,147,106, C>T on the plus strand (G>A on the coding strand, the complement: GCN1 is on the minus strand). VCF-style: chr12-120147106-C-T. GRCh37 (hg19) VCF-style: chr12-120584910-C-T.
Identifiers: ClinVar variation 2643395 (VCV002643395.24), dbSNP rs118078431, ClinGen allele CA6824263.

ClinVar aggregate classification (germline): Likely benign (1 of 4 stars; one submission).

Allele frequency attached by ClinVar (database versions not stated): 1000 Genomes Project 30x 0.00062; 1000 Genomes Project 0.00080; gnomAD 0.00158; ExAC 0.00168; TOPMed 0.00188; ESP Exome Variant Server 0.00191; gnomAD exomes 0.00267.
gnomAD v4.1: 4,111 of 1,602,908 alleles (0.26%); highest among the groups gnomAD compares: Non-Finnish European, 0.32%; 5 homozygotes.

Submission:

CeGaT Center for Human Genetics Tuebingen
Classification: Likely benign. Last evaluated: 2022-11-01. Review status: criteria provided, single submitter. Criteria: CeGaT Center For Human Genetics Tuebingen Variant Classification Criteria Version 2. Collection method: clinical testing. Allele origin: germline. Affected: yes. Observed: 2 variant alleles.
Comment: GCN1: BP4, BP7